The following is an entry in ClinVar:

ClinVar aggregate classification (germline): Uncertain significance (1 of 4 stars; one submission).

Allele frequency attached by ClinVar (database versions not stated): TOPMed 0.00001; gnomAD exomes below 0.00001.
gnomAD v4.1: 9 of 1,614,112 alleles (0.00056%); highest among the groups gnomAD compares: Non-Finnish European, 0.00025%; 1 homozygote.

Submission:

Labcorp Genetics (formerly Invitae), Labcorp
Classification: Uncertain significance. Last evaluated: 2025-04-11. Review status: criteria provided, single submitter. Criteria: Invitae Variant Classification Sherloc (09022015). Collection method: clinical testing. Allele origin: germline.
Comment: This sequence change replaces leucine, which is neutral and non-polar, with phenylalanine, which is neutral and non-polar, at codon 619 of the VAV1 protein (p.Leu619Phe). This variant is not present in population databases (gnomAD no frequency). This variant has not been reported in the literature in individuals affected with VAV1-related conditions. ClinVar contains an entry for this variant (Variation ID: 2965574). An algorithm developed to predict the effect of missense changes on protein structure and function (PolyPhen-2) suggests that this variant is likely to be disruptive. In summary, the available evidence is currently insufficient to determine the role of this variant in disease. Therefore, it has been classified as a Variant of Uncertain Significance.

NM_005428.4(VAV1):c.1855C>T (p.Leu619Phe)

Gene: VAV1 (vav guanine nucleotide exchange factor 1; plus strand). Cytogenetic location: 19p13.3.
Variant type: single nucleotide variant.
Coding change: c.1855C>T on transcript NM_005428.4 (MANE Select); coding-DNA position 1855, C replaced by T.
Protein change: p.Leu619Phe; replaces leucine 619 with phenylalanine.
Molecular consequence: missense variant.
Genome position (GRCh38, 1-based): chr19:6,836,509, C>T. VCF-style: chr19-6836509-C-T. GRCh37 (hg19) VCF-style: chr19-6836520-C-T.
Other names: c.1855C>T, p.Leu619Phe (NM_001258206.2); c.1759C>T, p.Leu587Phe (NM_001258207.2); short protein forms L619F, L587F.
Identifiers: ClinVar variation 2965574 (VCV002965574.3), dbSNP rs1972224636, ClinGen allele CA403631665.
Genomic context (GRCh38, chr19:6,836,509, plus strand): 5'-GTGTTTCAGGAATACTACGGGCTTCCTCCACCCCCTGGAGCCATTGGACCCTTTCTACGG[C>T]TCAACCCTGGAGACATTGTGGAGCTCACGAAGGCTGAGGCTGAACAGAACTGGTGGGAGG-3'
Protein context (NP_005419.2, residues 609-629): PPGAIGPFLR[Leu619Phe]NPGDIVELTK